The following is an entry in ClinVar:

NM_001130438.3(SPTAN1):c.3513A>T (p.Gln1171His)

Gene: SPTAN1 (spectrin alpha, non-erythrocytic 1; plus strand). Cytogenetic location: 9q34.11.
Variant type: single nucleotide variant.
Coding change: c.3513A>T on transcript NM_001130438.3 (MANE Select); coding-DNA position 3513, A replaced by T.
Protein change: p.Gln1171His; replaces glutamine 1171 with histidine.
Molecular consequence: missense variant.
Genome position (GRCh38, 1-based): chr9:128,598,498, A>T. VCF-style: chr9-128598498-A-T. GRCh37 (hg19) VCF-style: chr9-131360777-A-T.
Other names: c.3453A>T, p.Gln1151His (NM_001363765.2, NM_001375314.2, NM_001195532.2); c.3513A>T, p.Gln1171His (NM_001375310.1, NM_001375311.2, NM_001375313.1 and 2 more transcripts); c.3549A>T, p.Gln1183His (NM_001375312.2, NM_001375318.1); short protein forms Q1171H, Q1151H, Q1183H.
Identifiers: ClinVar variation 3635911 (VCV003635911.2).
Genomic context (GRCh38, chr9:128,598,498, plus strand): 5'-CAAGGTAGCTGAAGACCTGGAGTCTGAAGGTCTCATGGCAGAGGAGGTGCAGGCTGTGCA[A>T]CAACAGGTAGGTGTCTCCATCTTGGAGTGAGGCTCTGTTGCTGTAAGGATGCAGCTTTGT-3'
Protein context (NP_001123910.1, residues 1161-1181): GLMAEEVQAV[Gln1171His]QQEVYGMMPR

ClinVar aggregate classification (germline): Uncertain significance (1 of 4 stars; one submission).

Conditions:
Early-infantile DEE. Also called: Early infantile epileptic encephalopathy; Ohtahara syndrome; Early infantile epileptic encephalopathy with suppression bursts. Identifiers: Orphanet 1934, MedGen C0393706, MONDO:0800491.

Submission:

Labcorp Genetics (formerly Invitae), Labcorp
Classification: Uncertain significance for Early-infantile DEE. Last evaluated: 2024-06-17. Review status: criteria provided, single submitter. Criteria: Invitae Variant Classification Sherloc (09022015). Collection method: clinical testing. Allele origin: germline.
Comment: This sequence change replaces glutamine, which is neutral and polar, with histidine, which is basic and polar, at codon 1171 of the SPTAN1 protein (p.Gln1171His). This variant is not present in population databases (gnomAD no frequency). This variant has not been reported in the literature in individuals affected with SPTAN1-related conditions. Advanced modeling of protein sequence and biophysical properties (such as structural, functional, and spatial information, amino acid conservation, physicochemical variation, residue mobility, and thermodynamic stability) has been performed at Invitae for this missense variant, however the output from this modeling did not meet the statistical confidence thresholds required to predict the impact of this variant on SPTAN1 protein function. In summary, the available evidence is currently insufficient to determine the role of this variant in disease. Therefore, it has been classified as a Variant of Uncertain Significance.